The following is an entry in ClinVar:

NM_000352.6(ABCC8):c.1676_1677delinsAA (p.Phe559Ter)

Gene: ABCC8 (ATP binding cassette subfamily C member 8; minus strand). Cytogenetic location: 11p15.1.
Variant type: Indel.
Coding change: c.1676_1677delinsAA on transcript NM_000352.6 (MANE Select); coding-DNA positions 1676 to 1677, TC replaced by AA.
Protein change: p.Phe559Ter; replaces phenylalanine 559 with a stop codon.
Molecular consequence: nonsense. On other transcripts: non-coding transcript variant (1).
Genome position (GRCh38, 1-based): chr11:17,430,954-17,430,955, GA replaced by TT on the plus strand (TC replaced by AA on the coding strand, the reverse complement: ABCC8 is on the minus strand). VCF-style: chr11-17430954-GA-TT. GRCh37 (hg19) VCF-style: chr11-17452501-GA-TT.
Other names: c.1676_1677delinsAA, p.Phe559Ter (NM_001287174.3, NM_001351295.2); c.1673_1674delinsAA, p.Phe558Ter (NM_001351296.2, NM_001351297.2); short protein forms F558*, F559*.
Identifiers: ClinVar variation 2828041 (VCV002828041.3), dbSNP rs2496689814, ClinGen allele CA2739276260.

ClinVar aggregate classification (germline): Pathogenic (1 of 4 stars; one submission).

Submission:

Labcorp Genetics (formerly Invitae), Labcorp
Classification: Pathogenic. Last evaluated: 2023-01-13. Review status: criteria provided, single submitter. Criteria: Invitae Variant Classification Sherloc (09022015). Collection method: clinical testing. Allele origin: germline.
Comment: For these reasons, this variant has been classified as Pathogenic. This variant has not been reported in the literature in individuals affected with ABCC8-related conditions. Information on the frequency of this variant in the gnomAD database is not available, as this variant may be reported differently in the database. This sequence change creates a premature translational stop signal (p.Phe559*) in the ABCC8 gene. It is expected to result in an absent or disrupted protein product. Loss-of-function variants in ABCC8 are known to be pathogenic (PMID: 20685672, 23345197).

Literature cited by the submitters: PubMed 20685672; PubMed 23345197.